The following is an entry in ClinVar:

ClinVar aggregate classification (germline): Benign/Likely benign. Review status: criteria provided, multiple submitters, no conflicts (2 of 4 stars). 4 submissions from 4 submitters: Benign (1); Likely benign (3). Last evaluated 2025-09-30.

Conditions:
Hereditary cancer-predisposing syndrome. Also called: Tumor predisposition; Neoplastic Syndromes, Hereditary; Hereditary Cancer Syndrome; Hereditary neoplastic syndrome. Identifiers: Orphanet 140162, MedGen C0027672, MeSH D009386, MONDO:0015356.
Familial cancer of breast. Also called: BREAST CANCER, FAMILIAL; Hereditary breast cancer; hereditary breast carcinoma. Identifiers: Orphanet 227535, MedGen C0346153, MONDO:0016419, OMIM 114480. Disease mechanism: loss of function.
Ataxia-telangiectasia syndrome (AT). Also called: Cerebello-oculocutaneous telangiectasia; Immunodeficiency with ataxia telangiectasia; ATAXIA-TELANGIECTASIA, COMPLEMENTATION GROUP A; Ataxia-telangiectasia, complementation group D; AT, COMPLEMENTATION GROUP C; ATAXIA-TELANGIECTASIA, FRESNO VARIANT. Identifiers: Orphanet 100, MedGen C0004135, MONDO:0008840, OMIM 208900.

Allele frequency attached by ClinVar (database versions not stated): gnomAD exomes below 0.00001; ExAC 0.00001.

Submissions (4):

Labcorp Genetics (formerly Invitae), Labcorp
Classification: Likely benign for Ataxia-telangiectasia syndrome. Last evaluated: 2025-09-30. Review status: criteria provided, single submitter. Criteria: Invitae Variant Classification Sherloc (09022015). Collection method: clinical testing. Allele origin: germline.

Myriad Genetics, Inc.
Classification: Benign for Familial cancer of breast. Last evaluated: 2024-05-23. Review status: criteria provided, single submitter. Criteria: Myriad Autosomal Dominant, Autosomal Recessive and X-Linked Classification Criteria (2023). Collection method: clinical testing. Allele origin: unknown.
Comment: This variant is considered benign. This variant is a silent/synonymous amino acid change and it is not expected to impact splicing.

Color Diagnostics, LLC DBA Color Health
Classification: Likely benign for Hereditary cancer-predisposing syndrome. Last evaluated: 2018-02-15. Review status: criteria provided, single submitter. Criteria: ACMG Guidelines, 2015. Collection method: clinical testing. Allele origin: germline.

Ambry Genetics
Classification: Likely benign for Hereditary cancer-predisposing syndrome. Last evaluated: 2017-04-12. Review status: criteria provided, single submitter. Criteria: Ambry Variant Classification Scheme 2023. Collection method: clinical testing. Allele origin: germline.

NM_000051.4(ATM):c.5448T>C (p.Ser1816=)

Gene: ATM (ATM serine/threonine kinase; plus strand). Cytogenetic location: 11q22.3.
Variant type: single nucleotide variant.
Coding change: c.5448T>C on transcript NM_000051.4 (MANE Select); coding-DNA position 5448, T replaced by C.
Protein change: p.Ser1816=; no amino-acid change (serine 1816 retained).
Molecular consequence: synonymous variant.
Genome position (GRCh38, 1-based): chr11:108,302,981, T>C. VCF-style: chr11-108302981-T-C. GRCh37 (hg19) VCF-style: chr11-108173708-T-C.
Other names: c.5448T>C, p.Ser1816= (NM_001351834.2).
Identifiers: ClinVar variation 479092 (VCV000479092.15), dbSNP rs766455425, ClinGen allele CA6265699.